The following is an entry in ClinVar:

ClinVar aggregate classification (germline): Uncertain significance (1 of 4 stars; one submission).

gnomAD v4.1: 1 of 1,614,230 alleles (0.000062%); highest among the groups gnomAD compares: Non-Finnish European, 0.000085%; no homozygotes.

Submission:

Labcorp Genetics (formerly Invitae), Labcorp
Classification: Uncertain significance. Last evaluated: 2024-09-03. Review status: criteria provided, single submitter. Criteria: Invitae Variant Classification Sherloc (09022015). Collection method: clinical testing. Allele origin: germline.
Comment: This sequence change replaces leucine, which is neutral and non-polar, with proline, which is neutral and non-polar, at codon 2122 of the FAT2 protein (p.Leu2122Pro). This variant is not present in population databases (gnomAD no frequency). This variant has not been reported in the literature in individuals affected with FAT2-related conditions. Invitae Evidence Modeling of protein sequence and biophysical properties (such as structural, functional, and spatial information, amino acid conservation, physicochemical variation, residue mobility, and thermodynamic stability) indicates that this missense variant is not expected to disrupt FAT2 protein function with a negative predictive value of 80%. In summary, the available evidence is currently insufficient to determine the role of this variant in disease. Therefore, it has been classified as a Variant of Uncertain Significance.

NM_001447.3(FAT2):c.6365T>C (p.Leu2122Pro)

Genes: FAT2 (FAT atypical cadherin 2; minus strand), SLC36A1 (solute carrier family 36 member 1; plus strand). Cytogenetic location: 5q33.1.
Variant type: single nucleotide variant.
Coding change: c.6365T>C on transcript NM_001447.3 (MANE Select); coding-DNA position 6365, T replaced by C.
Protein change: p.Leu2122Pro; replaces leucine 2122 with proline.
Molecular consequence: missense variant.
Genome position (GRCh38, 1-based): chr5:151,544,762, A>G on the plus strand (T>C on the coding strand, the complement: FAT2 is on the minus strand). VCF-style: chr5-151544762-A-G. GRCh37 (hg19) VCF-style: chr5-150924323-A-G.
Other names: short protein forms L2122P.
Identifiers: ClinVar variation 3664361 (VCV003664361.2).